The following is an entry in ClinVar:

NM_000629.3(IFNAR1):c.317C>T (p.Ala106Val)

Gene: IFNAR1 (interferon alpha and beta receptor subunit 1; plus strand). Cytogenetic location: 21q22.11.
Variant type: single nucleotide variant.
Coding change: c.317C>T on transcript NM_000629.3 (MANE Select); coding-DNA position 317, C replaced by T.
Protein change: p.Ala106Val; replaces alanine 106 with valine.
Molecular consequence: missense variant. On other transcripts: 5 prime UTR variant (2).
Genome position (GRCh38, 1-based): chr21:33,341,115, C>T. VCF-style: chr21-33341115-C-T. GRCh37 (hg19) VCF-style: chr21-34713421-C-T.
Other names: c.317C>T, p.Ala106Val (NM_001384498.1, NM_001384499.1, NM_001384501.1 and 1 more transcripts); c.-470C>T (NM_001384500.1); c.-146C>T (NM_001384502.1); c.110C>T, p.Ala37Val (NM_001384504.1); short protein forms A106V, A37V.
Identifiers: ClinVar variation 1358290 (VCV001358290.8), dbSNP rs2123681113, ClinGen allele CA410106694.
Genomic context (GRCh38, chr21:33,341,115, plus strand): 5'-AATGCAACTTTTCTTCACTCAAGCTGAATGTTTATGAAGAAATTAAATTGCGTATAAGAG[C>T]AGAAAAAGAAAACACTTCTTCATGGTATGAGGTTGACTCATTTACACCATTTCGCAAAGG-3'
Protein context (NP_000620.2, residues 96-116): VYEEIKLRIR[Ala106Val]EKENTSSWYE

ClinVar aggregate classification (germline): Uncertain significance (1 of 4 stars; one submission).

Submission:

Labcorp Genetics (formerly Invitae), Labcorp
Classification: Uncertain significance. Last evaluated: 2021-06-01. Review status: criteria provided, single submitter. Criteria: Invitae Variant Classification Sherloc (09022015). Collection method: clinical testing. Allele origin: germline.
Comment: This sequence change replaces alanine with valine at codon 106 of the IFNAR1 protein (p.Ala106Val). The alanine residue is highly conserved and there is a small physicochemical difference between alanine and valine. This variant is not present in population databases (ExAC no frequency). This variant has not been reported in the literature in individuals with IFNAR1-related conditions. Algorithms developed to predict the effect of missense changes on protein structure and function are either unavailable or do not agree on the potential impact of this missense change (SIFT: "Deleterious"; PolyPhen-2: "Probably Damaging"; Align-GVGD: "Class C0"). In summary, the available evidence is currently insufficient to determine the role of this variant in disease. Therefore, it has been classified as a Variant of Uncertain Significance.